The following is an entry in ClinVar:

NM_144999.4(LRRC45):c.661+8G>A

Gene: LRRC45 (leucine rich repeat containing 45; plus strand). Cytogenetic location: 17q25.3.
Variant type: single nucleotide variant.
Coding change: c.661+8G>A on transcript NM_144999.4 (MANE Select); 8 bases into the intron after coding-DNA position 661, G replaced by A.
Molecular consequence: intron variant.
Genome position (GRCh38, 1-based): chr17:82,025,515, G>A. VCF-style: chr17-82025515-G-A. GRCh37 (hg19) VCF-style: chr17-79983391-G-A.
Identifiers: ClinVar variation 3344696 (VCV003344696.1).
Genomic context (GRCh38, chr17:82,025,515, plus strand): 5'-GAGACTGGACCTGGCTGGGAACAACATCCCTGGAGACGTCCTCAGAGCCGTGGGTACGGT[G>A]CAGGGCTGTGTGGAGTGACGCGTGAGCCTTTGACAGAGGCCTGTCCACCGAGGGCGGGGT-3'

ClinVar aggregate classification (germline): Uncertain significance (0 of 4 stars; one submission).

Conditions:
LRRC45-related disorder. Also called: LRRC45-related condition.

Submission:

PreventionGenetics, part of Exact Sciences
Classification: Uncertain significance for LRRC45-related condition. Last evaluated: 2024-08-26. Review status: no assertion criteria provided. Collection method: clinical testing. Allele origin: germline.
Comment: The LRRC45 c.661+8G>A variant is predicted to interfere with splicing. To our knowledge, this variant has not been reported in the literature or in a large population database, indicating this variant is rare. This variant is predicted to alter splicing based on available splicing prediction programs (SpliceAI, Jaganathan et al. 2019. PubMed ID: 30661751). However, the use of computer prediction programs is not equivalent to functional evidence. At this time, the clinical significance of this variant is uncertain due to the absence of conclusive functional and genetic evidence.